The following is an entry in ClinVar:

NM_138420.4(AHNAK2):c.4537G>A (p.Glu1513Lys)

Gene: AHNAK2 (AHNAK nucleoprotein 2; minus strand). Cytogenetic location: 14q32.33.
Variant type: single nucleotide variant.
Coding change: c.4537G>A on transcript NM_138420.4 (MANE Select); coding-DNA position 4537, G replaced by A.
Protein change: p.Glu1513Lys; replaces glutamic acid 1513 with lysine.
Molecular consequence: missense variant.
Genome position (GRCh38, 1-based): chr14:104,950,914, C>T on the plus strand (G>A on the coding strand, the complement: AHNAK2 is on the minus strand). VCF-style: chr14-104950914-C-T. GRCh37 (hg19) VCF-style: chr14-105417251-C-T.
Other names: c.4237G>A, p.Glu1413Lys (NM_001350929.2); short protein forms E1413K, E1513K.
Identifiers: ClinVar variation 2644826 (VCV002644826.24), dbSNP rs113252411, ClinGen allele CA7382403.

ClinVar aggregate classification (germline): Likely benign (1 of 4 stars; one submission).

Allele frequency attached by ClinVar (database versions not stated): 1000 Genomes Project 30x 0.00094.

Submission:

CeGaT Center for Human Genetics Tuebingen
Classification: Likely benign. Last evaluated: 2023-07-01. Review status: criteria provided, single submitter. Criteria: CeGaT Center For Human Genetics Tuebingen Variant Classification Criteria Version 2. Collection method: clinical testing. Allele origin: germline. Affected: yes. Observed: 1 variant allele.
Comment: AHNAK2: BP4, BS1